The following is an entry in ClinVar:

NM_000123.4(ERCC5):c.623T>C (p.Met208Thr)

Genes: BIVM-ERCC5 (BIVM-ERCC5 readthrough; plus strand), ERCC5 (ERCC excision repair 5, endonuclease; plus strand). Cytogenetic location: 13q33.1.
Variant type: single nucleotide variant.
Coding change: c.623T>C on transcript NM_000123.4 (MANE Select); coding-DNA position 623, T replaced by C.
Protein change: p.Met208Thr; replaces methionine 208 with threonine.
Molecular consequence: missense variant.
Genome position (GRCh38, 1-based): chr13:102,858,369, T>C. VCF-style: chr13-102858369-T-C. GRCh37 (hg19) VCF-style: chr13-103510719-T-C.
Other names: c.1985T>C, p.Met662Thr (NM_001204425.2); short protein forms M662T, M208T.
Identifiers: ClinVar variation 2082529 (VCV002082529.4), dbSNP rs748448875, ClinGen allele CA7041227.

ClinVar aggregate classification (germline): Uncertain significance (1 of 4 stars; one submission).

Allele frequency attached by ClinVar (database versions not stated): gnomAD exomes 0.00001; ExAC 0.00002.
gnomAD v4.1: 14 of 1,614,040 alleles (0.00087%); highest among the groups gnomAD compares: Admixed American, 0.0017%; no homozygotes.

Submission:

Labcorp Genetics (formerly Invitae), Labcorp
Classification: Uncertain significance. Last evaluated: 2024-07-08. Review status: criteria provided, single submitter. Criteria: Invitae Variant Classification Sherloc (09022015). Collection method: clinical testing. Allele origin: germline.
Comment: This sequence change replaces methionine, which is neutral and non-polar, with threonine, which is neutral and polar, at codon 208 of the ERCC5 protein (p.Met208Thr). This variant is present in population databases (rs748448875, gnomAD 0.009%). This variant has not been reported in the literature in individuals affected with ERCC5-related conditions. ClinVar contains an entry for this variant (Variation ID: 2082529). An algorithm developed to predict the effect of missense changes on protein structure and function (PolyPhen-2) suggests that this variant is likely to be disruptive. In summary, the available evidence is currently insufficient to determine the role of this variant in disease. Therefore, it has been classified as a Variant of Uncertain Significance.